The following is an entry in ClinVar:

ClinVar aggregate classification (germline): Likely benign. Review status: criteria provided, multiple submitters, no conflicts (2 of 4 stars). 6 submissions from 6 submitters: Likely benign (5). 1 of the submissions does not count toward it. Last evaluated 2026-04-01.

Conditions:
RTTN-related disorder. Also called: RTTN-related condition.

Allele frequency attached by ClinVar (database versions not stated): ExAC 0.00095; gnomAD exomes 0.00110 and 0.00227; gnomAD 0.00141 and 0.00148; TOPMed 0.00155; ESP Exome Variant Server 0.00204.
gnomAD v4.1: 3,516 of 1,613,040 alleles (0.22%); highest among the groups gnomAD compares: Non-Finnish European, 0.28%; 4 homozygotes.

Submissions (6):

CeGaT Center for Human Genetics Tuebingen
Classification: Likely benign. Last evaluated: 2026-04-01. Review status: criteria provided, single submitter. Criteria: CeGaT Center For Human Genetics Tuebingen Variant Classification Criteria Version 2. Collection method: clinical testing. Allele origin: germline. Affected: yes. Observed: 14 variant alleles.
Comment: RTTN: BP4, BP7

Labcorp Genetics (formerly Invitae), Labcorp
Classification: Likely benign. Last evaluated: 2026-01-22. Review status: criteria provided, single submitter. Criteria: Invitae Variant Classification Sherloc (09022015). Collection method: clinical testing. Allele origin: germline.

Blueprint Genetics
Classification: Likely benign. Last evaluated: 2024-11-28. Review status: criteria provided, single submitter. Criteria: ACMG Guidelines, 2015. Collection method: clinical testing. Allele origin: germline.

GeneDx
Classification: Likely benign. Last evaluated: 2021-03-20. Review status: criteria provided, single submitter. Criteria: GeneDx Variant Classification Process June 2021. Collection method: clinical testing. Allele origin: germline. Affected: yes.

Breakthrough Genomics
Classification: Likely benign. Review status: criteria provided, single submitter. Criteria: ACMG Guidelines, 2015. Collection method: not provided. Allele origin: germline. Inheritance: Autosomal recessive inheritance. Affected: yes.

PreventionGenetics, part of Exact Sciences
Classification: Likely benign for RTTN-related condition. Last evaluated: 2020-04-20. Review status: no assertion criteria provided. Collection method: clinical testing. Allele origin: germline. Not counted in ClinVar's aggregate classification.
Comment: This variant is classified as likely benign based on ACMG/AMP sequence variant interpretation guidelines (Richards et al. 2015 PMID: 25741868, with internal and published modifications).

NM_173630.4(RTTN):c.1563T>C (p.Ile521=)

Gene: RTTN (rotatin; minus strand). Cytogenetic location: 18q22.2.
Variant type: single nucleotide variant.
Coding change: c.1563T>C on transcript NM_173630.4 (MANE Select); coding-DNA position 1563, T replaced by C.
Protein change: p.Ile521=; no amino-acid change (isoleucine 521 retained).
Molecular consequence: synonymous variant. On other transcripts: intron variant (1).
Genome position (GRCh38, 1-based): chr18:70,168,981, A>G on the plus strand (T>C on the coding strand, the complement: RTTN is on the minus strand). VCF-style: chr18-70168981-A-G. GRCh37 (hg19) VCF-style: chr18-67836217-A-G.
Other names: c.-1077-8T>C (NM_001318520.2).
Identifiers: ClinVar variation 510799 (VCV000510799.50), dbSNP rs200975487, ClinGen allele CA8996143.